The following is an entry in ClinVar:

ClinVar aggregate classification (germline): Uncertain significance (1 of 4 stars; one submission).

Conditions:
Cardiovascular phenotype. Identifiers: MedGen CN230736.

Submission:

Ambry Genetics
Classification: Uncertain significance for Cardiovascular phenotype. Last evaluated: 2024-08-06. Review status: criteria provided, single submitter. Criteria: Ambry Variant Classification Scheme 2023. Collection method: clinical testing. Allele origin: germline.
Comment: The p.E1782G variant (also known as c.5345A>G), located in coding exon 34 of the MYH6 gene, results from an A to G substitution at nucleotide position 5345. The glutamic acid at codon 1782 is replaced by glycine, an amino acid with similar properties. This amino acid position is highly conserved in available vertebrate species. In addition, this alteration is predicted to be deleterious by in silico analysis. Based on the available evidence, the clinical significance of this variant remains unclear.

NM_002471.4(MYH6):c.5345A>G (p.Glu1782Gly)

Gene: MYH6 (myosin heavy chain 6; minus strand). Cytogenetic location: 14q11.2.
Variant type: single nucleotide variant.
Coding change: c.5345A>G on transcript NM_002471.4 (MANE Select); coding-DNA position 5345, A replaced by G.
Protein change: p.Glu1782Gly; replaces glutamic acid 1782 with glycine.
Molecular consequence: missense variant.
Genome position (GRCh38, 1-based): chr14:23,384,662, T>C on the plus strand (A>G on the coding strand, the complement: MYH6 is on the minus strand). VCF-style: chr14-23384662-T-C. GRCh37 (hg19) VCF-style: chr14-23853871-T-C.
Other names: short protein forms E1782G.
Identifiers: ClinVar variation 3400839 (VCV003400839.1).
Genomic context (GRCh38, chr14:23,384,662, plus strand): 5'-GCCTCGTCCAGCCGGTGCTGCAGGTCCTTAATGGTCTGCTCCATGTTCTTCTTCATGCGC[T>C]CCAGGTGGGCGCTGGTGTCCTGCTCCTTCTTCAGCTCCTCTGCCATCATGGCGGCCTGTG-3'
Protein context (NP_002462.2, residues 1772-1792): KKEQDTSAHL[Glu1782Gly]RMKKNMEQTI